The following is an entry in ClinVar:

ClinVar aggregate classification (germline): Uncertain significance (1 of 4 stars; one submission).

Conditions:
3-methylcrotonyl-CoA carboxylase 1 deficiency (MCC1D). Also called: MCC 1 deficiency; 3 Alpha methylcrotonylglycinuria 1; MCCD TYPE 1; METHYLCROTONYLGLYCINURIA TYPE I. Identifiers: Orphanet 6, MedGen CN028786, MONDO:0008861, OMIM 210200.

Submission:

Juno Genomics, Hangzhou Juno Genomics, Inc
Classification: Uncertain significance for 3-methylcrotonyl-CoA carboxylase 1 deficiency. Review status: criteria provided, single submitter. Criteria: ACMG Guidelines, 2015. Collection method: clinical testing. Allele origin: germline.
Comment: Absent from controls (or at extremely low frequency if recessive) in Genome Aggregation Database.;Multiple lines of computational evidence support a deleterious effect on the gene or gene product.

NM_020166.5(MCCC1):c.1624G>A (p.Gly542Arg)

Gene: MCCC1 (methylcrotonyl-CoA carboxylase subunit 1; minus strand). Cytogenetic location: 3q27.1.
Variant type: single nucleotide variant.
Coding change: c.1624G>A on transcript NM_020166.5 (MANE Select); coding-DNA position 1624, G replaced by A.
Protein change: p.Gly542Arg; replaces glycine 542 with arginine.
Molecular consequence: missense variant. On other transcripts: non-coding transcript variant (2).
Genome position (GRCh38, 1-based): chr3:183,034,048, C>T on the plus strand (G>A on the coding strand, the complement: MCCC1 is on the minus strand). VCF-style: chr3-183034048-C-T. GRCh37 (hg19) VCF-style: chr3-182751836-C-T.
Other names: c.1273G>A, p.Gly425Arg (NM_001293273.2); c.1297G>A, p.Gly433Arg (NM_001363880.1); short protein forms G425R, G433R, G542R.
Identifiers: ClinVar variation 5006595 (VCV005006595.2).